The following is an entry in ClinVar:

ClinVar aggregate classification (germline): Conflicting classifications of pathogenicity. Review status: criteria provided, conflicting classifications (1 of 4 stars). 3 submissions from 3 submitters: Uncertain significance (2); Likely benign (1). Last evaluated 2024-04-28.

Conditions:
Hereditary cancer-predisposing syndrome. Also called: Tumor predisposition; Neoplastic Syndromes, Hereditary; Hereditary Cancer Syndrome; Hereditary neoplastic syndrome. Identifiers: Orphanet 140162, MedGen C0027672, MeSH D009386, MONDO:0015356.
Hereditary diffuse gastric adenocarcinoma (HDGC). Also called: DIFFUSE GASTRIC AND LOBULAR BREAST CANCER SYNDROME. Identifiers: Orphanet 26106, MedGen C1708349, MONDO:0007648, OMIM 137215.

Allele frequency attached by ClinVar (database versions not stated): gnomAD exomes below 0.00001.
gnomAD v4.1: 1 of 1,614,174 alleles (0.000062%); highest among the groups gnomAD compares: South Asian, 0.0011%; no homozygotes.

Submissions (3):

Ambry Genetics
Classification: Likely benign for Hereditary cancer-predisposing syndrome. Last evaluated: 2024-04-28. Review status: criteria provided, single submitter. Criteria: Ambry Variant Classification Scheme 2023. Collection method: clinical testing. Allele origin: germline.

Labcorp Genetics (formerly Invitae), Labcorp
Classification: Uncertain significance for Hereditary diffuse gastric adenocarcinoma. Last evaluated: 2024-02-05. Review status: criteria provided, single submitter. Criteria: Invitae Variant Classification Sherloc (09022015). Collection method: clinical testing. Allele origin: germline.
Comment: This sequence change replaces threonine, which is neutral and polar, with alanine, which is neutral and non-polar, at codon 394 of the CDH1 protein (p.Thr394Ala). This variant is not present in population databases (gnomAD no frequency). This variant has not been reported in the literature in individuals affected with CDH1-related conditions. ClinVar contains an entry for this variant (Variation ID: 629240). Algorithms developed to predict the effect of missense changes on protein structure and function output the following: SIFT: "Not Available"; PolyPhen-2: "Benign"; Align-GVGD: "Not Available". The alanine amino acid residue is found in multiple mammalian species, which suggests that this missense change does not adversely affect protein function. In summary, the available evidence is currently insufficient to determine the role of this variant in disease. Therefore, it has been classified as a Variant of Uncertain Significance.

Color Diagnostics, LLC DBA Color Health
Classification: Uncertain significance for Hereditary cancer-predisposing syndrome. Last evaluated: 2023-12-05. Review status: criteria provided, single submitter. Criteria: ACMG Guidelines, 2015. Collection method: clinical testing. Allele origin: germline.
Comment: This missense variant replaces threonine with alanine at codon 394 of the CDH1 protein. To our knowledge, functional studies have not been reported for this variant. This variant has not been reported in individuals affected with CDH1-related disorders in the literature. This variant has not been identified in the general population by the Genome Aggregation Database (gnomAD). The available evidence is insufficient to determine the role of this variant in disease conclusively. Therefore, this variant is classified as a Variant of Uncertain Significance.

NM_004360.5(CDH1):c.1180A>G (p.Thr394Ala)

Gene: CDH1 (cadherin 1; plus strand). Cytogenetic location: 16q22.1.
Variant type: single nucleotide variant.
Coding change: c.1180A>G on transcript NM_004360.5 (MANE Select); coding-DNA position 1180, A replaced by G.
Protein change: p.Thr394Ala; replaces threonine 394 with alanine.
Molecular consequence: missense variant. On other transcripts: 5 prime UTR variant (2), intron variant (1).
Genome position (GRCh38, 1-based): chr16:68,813,355, A>G. VCF-style: chr16-68813355-A-G. GRCh37 (hg19) VCF-style: chr16-68847258-A-G.
Other names: c.-436A>G (NM_001317185.2); c.-640A>G (NM_001317186.2); c.1137+1092A>G (NM_001317184.2); c.1180A>G (NM_004360.3); short protein forms T394A.
Identifiers: ClinVar variation 629240 (VCV000629240.15), dbSNP rs1567507749, ClinGen allele CA396461197.